The following is an entry in ClinVar:

ClinVar aggregate classification (germline): Uncertain significance. Review status: criteria provided, multiple submitters, no conflicts (2 of 4 stars). 2 submissions from 2 submitters: Uncertain significance (2). Last evaluated 2024-10-06.

Conditions:
Gastrointestinal stromal tumor. Also called: Gastrointestinal stromal tumor, somatic; Gastrointestinal stroma tumor. Identifiers: Orphanet 44890, MedGen C0238198, MeSH D046152, MONDO:0011719, OMIM 606764, HP:0100723.
Hereditary cancer-predisposing syndrome. Also called: Neoplastic Syndromes, Hereditary; Tumor predisposition; Hereditary Cancer Syndrome; Hereditary neoplastic syndrome. Identifiers: Orphanet 140162, MedGen C0027672, MeSH D009386, MONDO:0015356.

Submissions (2):

Ambry Genetics
Classification: Uncertain significance for Hereditary cancer-predisposing syndrome. Last evaluated: 2024-10-06. Review status: criteria provided, single submitter. Criteria: Ambry Variant Classification Scheme 2023. Collection method: clinical testing. Allele origin: germline.
Comment: The p.H802R variant (also known as c.2405A>G), located in coding exon 17 of the KIT gene, results from an A to G substitution at nucleotide position 2405. The histidine at codon 802 is replaced by arginine, an amino acid with highly similar properties. This amino acid position is conserved. In addition, this alteration is predicted to be tolerated by in silico analysis. Based on the available evidence, the clinical significance of this variant remains unclear.

Labcorp Genetics (formerly Invitae), Labcorp
Classification: Uncertain significance for Gastrointestinal stromal tumor. Last evaluated: 2024-04-03. Review status: criteria provided, single submitter. Criteria: Invitae Variant Classification Sherloc (09022015). Collection method: clinical testing. Allele origin: germline.
Comment: This sequence change replaces histidine, which is basic and polar, with arginine, which is basic and polar, at codon 802 of the KIT protein (p.His802Arg). This variant is not present in population databases (gnomAD no frequency). This variant has not been reported in the literature in individuals affected with KIT-related conditions. An algorithm developed to predict the effect of missense changes on protein structure and function (PolyPhen-2) suggests that this variant is likely to be disruptive. In summary, the available evidence is currently insufficient to determine the role of this variant in disease. Therefore, it has been classified as a Variant of Uncertain Significance.

NM_000222.3(KIT):c.2405A>G (p.His802Arg)

Gene: KIT (KIT proto-oncogene, receptor tyrosine kinase; plus strand). Cytogenetic location: 4q12.
Variant type: single nucleotide variant.
Coding change: c.2405A>G on transcript NM_000222.3 (MANE Select); coding-DNA position 2405, A replaced by G.
Protein change: p.His802Arg; replaces histidine 802 with arginine.
Molecular consequence: missense variant.
Genome position (GRCh38, 1-based): chr4:54,733,113, A>G. VCF-style: chr4-54733113-A-G. GRCh37 (hg19) VCF-style: chr4-55599279-A-G.
Other names: c.2393A>G, p.His798Arg (NM_001093772.2, NM_001385292.1); c.2408A>G, p.His803Arg (NM_001385284.1); c.2402A>G, p.His801Arg (NM_001385285.1); c.2390A>G, p.His797Arg (NM_001385286.1); c.2396A>G, p.His799Arg (NM_001385288.1); c.2405A>G, p.His802Arg (NM_001385290.1); short protein forms H798R, H799R, H797R, H801R, H802R, H803R.
Identifiers: ClinVar variation 3534719 (VCV003534719.3).